The following is an entry in ClinVar:

NM_001844.5(COL2A1):c.85+17_85+18delinsTG

Gene: COL2A1 (collagen type II alpha 1 chain; minus strand). Cytogenetic location: 12q13.11.
Variant type: Indel.
Coding change: c.85+17_85+18delinsTG on transcript NM_001844.5 (MANE Select); bases 17 to 18 of the intron after coding-DNA position 85, CC replaced by TG.
Molecular consequence: intron variant.
Genome position (GRCh38, 1-based): chr12:48,004,219-48,004,220, GG replaced by CA on the plus strand (CC replaced by TG on the coding strand, the reverse complement: COL2A1 is on the minus strand). VCF-style: chr12-48004219-GG-CA. GRCh37 (hg19) VCF-style: chr12-48398002-GG-CA.
Other names: c.85+17_85+18delinsTG (NM_033150.3).
Identifiers: ClinVar variation 3003905 (VCV003003905.3), dbSNP rs2540193965, ClinGen allele CA2740092362.

ClinVar aggregate classification (germline): Uncertain significance (1 of 4 stars; one submission).

Submission:

Labcorp Genetics (formerly Invitae), Labcorp
Classification: Uncertain significance. Last evaluated: 2024-01-18. Review status: criteria provided, single submitter. Criteria: Invitae Variant Classification Sherloc (09022015). Collection method: clinical testing. Allele origin: germline.
Comment: This sequence change falls in intron 1 of the COL2A1 gene. It does not directly change the encoded amino acid sequence of the COL2A1 protein. Information on the frequency of this variant in the gnomAD database is not available, as this variant may be reported differently in the database. This variant has not been reported in the literature in individuals affected with COL2A1-related conditions. Experimental studies and prediction algorithms are not available or were not evaluated, and the effect of this variant on mRNA splicing is currently unknown. In summary, the available evidence is currently insufficient to determine the role of this variant in disease. Therefore, it has been classified as a Variant of Uncertain Significance.